The following is an entry in ClinVar:

ClinVar aggregate classification (germline): Pathogenic (1 of 4 stars; one submission).

Conditions:
Peters plus syndrome. Also called: KRAUSE-KIVLIN SYNDROME. Identifiers: Orphanet 709, MedGen C0796012, MONDO:0009856, OMIM 261540.

Allele frequency attached by ClinVar (database versions not stated): ExAC 0.00001; gnomAD 0.00001; 1000 Genomes Project 0.00020; 1000 Genomes Project 30x 0.00031.
gnomAD v4.1: 3 of 1,613,398 alleles (0.00019%); highest among the groups gnomAD compares: Admixed American, 0.0033%; no homozygotes.

Submission:

Labcorp Genetics (formerly Invitae), Labcorp
Classification: Pathogenic for Peters plus syndrome. Last evaluated: 2022-03-04. Review status: criteria provided, single submitter. Criteria: Invitae Variant Classification Sherloc (09022015). Collection method: clinical testing. Allele origin: germline.
Comment: For these reasons, this variant has been classified as Pathogenic. This sequence change creates a premature translational stop signal (p.Gln339*) in the B3GLCT gene. It is expected to result in an absent or disrupted protein product. Loss-of-function variants in B3GLCT are known to be pathogenic (PMID: 18798333, 23889335). This variant is present in population databases (rs200408982, gnomAD 0.003%). This variant has not been reported in the literature in individuals affected with B3GLCT-related conditions.

Literature cited by the submitters: PubMed 18798333; PubMed 23889335.

NM_194318.4(B3GLCT):c.1015C>T (p.Gln339Ter)

Gene: B3GLCT (beta 3-glucosyltransferase; plus strand). Cytogenetic location: 13q12.3.
Variant type: single nucleotide variant.
Coding change: c.1015C>T on transcript NM_194318.4 (MANE Select); coding-DNA position 1015, C replaced by T.
Protein change: p.Gln339Ter; replaces glutamine 339 with a stop codon.
Molecular consequence: nonsense.
Genome position (GRCh38, 1-based): chr13:31,286,770, C>T. VCF-style: chr13-31286770-C-T. GRCh37 (hg19) VCF-style: chr13-31860907-C-T.
Other names: short protein forms Q339*.
Identifiers: ClinVar variation 2076573 (VCV002076573.4), dbSNP rs200408982, ClinGen allele CA6936786.
Genomic context (GRCh38, chr13:31,286,770, plus strand): 5'-CCTTTTCTAGGTCATTGTGGAAAGACATTTGCCATTTTGGAAAGATTTCTGAATCGTAGC[C>T]AGGACAAAACAGCATGGTTAGTCATTGTGGATGATGATACATTAATAAGGTAAGGAGTCA-3'